The following is an entry in ClinVar:

ClinVar aggregate classification (germline): Conflicting classifications of pathogenicity. Review status: criteria provided, conflicting classifications (1 of 4 stars). 2 submissions from 2 submitters: Uncertain significance (1); Benign (1). Last evaluated 2025-11-03.

Conditions:
Dilated cardiomyopathy 1AA (CMD1AA). Also called: Cardiomyopathy, dilated, 1AA, with or without LVNC; CARDIOMYOPATHY, DILATED, 1AA, WITH OR WITHOUT LEFT VENTRICULAR NONCOMPACTION; CARDIOMYOPATHY, FAMILIAL HYPERTROPHIC, 23, WITH OR WITHOUT LEFT VENTRICULAR NONCOMPACTION. Identifiers: Orphanet 154, MedGen C2677338, MONDO:0012808, OMIM 612158.
Myopathy, congenital, with structured cores and z-line abnormalities. Also called: MULTIPLE STRUCTURED CORE DISEASE; CONGENITAL MYOPATHY 8. Identifiers: MedGen C5231445, MONDO:0032852, OMIM 618654.
Myopathy, distal, 6, adult-onset, autosomal dominant. Identifiers: MedGen C5203349, MONDO:0032853, OMIM 618655.
Primary familial hypertrophic cardiomyopathy (HCM). Identifiers: Orphanet 99739, MedGen C0949658, MeSH D024741, MONDO:0024573. Inheritance: Various modes of inheritance.

Allele frequency attached by ClinVar (database versions not stated): gnomAD 0.00001; gnomAD exomes 0.00001; TOPMed 0.00001.
gnomAD v4.1: 14 of 1,614,098 alleles (0.00087%); highest among the groups gnomAD compares: African/African-American, 0.004%; no homozygotes.

Submissions (2):

Labcorp Genetics (formerly Invitae), Labcorp
Classification: Benign for Primary familial hypertrophic cardiomyopathy; Dilated cardiomyopathy 1AA. Last evaluated: 2025-11-03. Review status: criteria provided, single submitter. Criteria: Invitae Variant Classification Sherloc (09022015). Collection method: clinical testing. Allele origin: germline.

Center for Genomics, Ann and Robert H. Lurie Children's Hospital of Chicago
Classification: Uncertain significance for Myopathy, distal, 6, adult-onset, autosomal dominant; Dilated cardiomyopathy 1AA; Myopathy, congenital, with structured cores and z-line abnormalities. Review status: criteria provided, single submitter. Criteria: ACMG Guidelines, 2015. Collection method: clinical testing. Allele origin: germline.
Comment: ACTN2 NM_001103.3 exon 17 p.Met675Thr (c.2024T>C): This variant has not been reported in the literature and is present in 0.003% (1/31390) of total alleles in the Genome Aggregation Database. Evolutionary conservation and computational predictive tools suggest that this variant may impact the protein. In summary, data on this variant is insufficient for disease classification. Therefore, the clinical significance of this variant is uncertain.

NM_001103.4(ACTN2):c.2024T>C (p.Met675Thr)

Gene: ACTN2 (actinin alpha 2; plus strand). Cytogenetic location: 1q43.
Variant type: single nucleotide variant.
Coding change: c.2024T>C on transcript NM_001103.4 (MANE Select); coding-DNA position 2024, T replaced by C.
Protein change: p.Met675Thr; replaces methionine 675 with threonine.
Molecular consequence: missense variant.
Genome position (GRCh38, 1-based): chr1:236,755,068, T>C. VCF-style: chr1-236755068-T-C. GRCh37 (hg19) VCF-style: chr1-236918368-T-C.
Other names: c.2024T>C, p.Met675Thr (NM_001278343.2); c.1400T>C, p.Met467Thr (NM_001278344.2); c.1274T>C, p.Met425Thr (NM_001412150.1); short protein forms M425T, M467T, M675T.
Identifiers: ClinVar variation 1952588 (VCV001952588.7), dbSNP rs531480370, ClinGen allele CA39741771.